The following is an entry in ClinVar:

NM_138425.4(C12orf57):c.184C>T (p.Gln62Ter)

Gene: C12orf57 (chromosome 12 open reading frame 57; plus strand). Cytogenetic location: 12p13.31.
Variant type: single nucleotide variant.
Coding change: c.184C>T on transcript NM_138425.4 (MANE Select); coding-DNA position 184, C replaced by T.
Protein change: p.Gln62Ter; replaces glutamine 62 with a stop codon.
Molecular consequence: nonsense. On other transcripts: intron variant (1).
Genome position (GRCh38, 1-based): chr12:6,944,607, C>T. VCF-style: chr12-6944607-C-T. GRCh37 (hg19) VCF-style: chr12-7053770-C-T.
Other names: C12ORF57, GLN62TER; c.184C>T, p.Gln62Ter (NM_001301834.1); c.145C>T, p.Gln49Ter (NM_001301836.2); c.79C>T, p.Gln27Ter (NM_001301838.2); c.142+42C>T (NM_001301837.2); short protein forms Q62*, Q49*, Q27*.
Identifiers: ClinVar variation 155861 (VCV000155861.6), dbSNP rs587777698, ClinGen allele CA170711.

ClinVar aggregate classification (germline): Pathogenic/Likely pathogenic. Review status: criteria provided, multiple submitters, no conflicts (2 of 4 stars). 4 submissions from 4 submitters: Pathogenic (1); Likely pathogenic (2). 1 of the submissions does not count toward it. Last evaluated 2024-05-29.

Conditions:
Temtamy syndrome (TEMTYS). Also called: MENTAL RETARDATION WITH OR WITHOUT CRANIOFACIAL DYSMORPHISM, OCULAR COLOBOMA, OR ABNORMAL CORPUS CALLOSUM. Identifiers: Orphanet 1777, MedGen C1857512, MONDO:0009033, OMIM 218340.

Allele frequency attached by ClinVar (database versions not stated): gnomAD exomes below 0.00001.
gnomAD v4.1: 4 of 1,614,146 alleles (0.00025%); highest among the groups gnomAD compares: Non-Finnish European, 0.00034%; no homozygotes.

Submissions (4):

Labcorp Genetics (formerly Invitae), Labcorp
Classification: Likely pathogenic for Temtamy syndrome. Last evaluated: 2024-05-29. Review status: criteria provided, single submitter. Criteria: Invitae Variant Classification Sherloc (09022015). Collection method: clinical testing. Allele origin: germline.
Comment: This sequence change creates a premature translational stop signal (p.Gln62*) in the C12orf57 gene. While this is not anticipated to result in nonsense mediated decay, it is expected to disrupt the last 65 amino acid(s) of the C12orf57 protein. This variant is not present in population databases (gnomAD no frequency). This premature translational stop signal has been observed in individual(s) with clinical features of Temtamy syndrome (PMID: 24798461). In at least one individual the data is consistent with being in trans (on the opposite chromosome) from a pathogenic variant. It has also been observed to segregate with disease in related individuals. ClinVar contains an entry for this variant (Variation ID: 155861). Algorithms developed to predict the effect of sequence changes on RNA splicing suggest that this variant may disrupt the consensus splice site. In summary, the currently available evidence indicates that the variant is pathogenic, but additional data are needed to prove that conclusively. Therefore, this variant has been classified as Likely Pathogenic.

Institute of Human Genetics, University of Leipzig Medical Center
Classification: Pathogenic for Temtamy syndrome. Last evaluated: 2021-10-22. Review status: criteria provided, single submitter. Criteria: ACMG Guidelines, 2015. Collection method: research. Allele origin: germline.

GeneDx
Classification: Likely pathogenic. Last evaluated: 2019-10-18. Review status: criteria provided, single submitter. Criteria: GeneDx Variant Classification Process June 2021. Collection method: clinical testing. Allele origin: germline. Affected: yes.
Comment: Not observed in large population cohorts (Lek et al., 2016); Nonsense variant predicted to result in protein truncation, although loss-of-function variants have not been reported downstream of this position in the protein; This variant is associated with the following publications: (PMID: 24798461)

OMIM
Classification: Pathogenic for TEMTAMY SYNDROME. Last evaluated: 2014-08-01. Review status: no assertion criteria provided. Collection method: literature only. Allele origin: germline. Not counted in ClinVar's aggregate classification.

Literature cited by the submitters: PubMed 24798461 (cited by 3 submitters).